The following is an entry in ClinVar:

ClinVar aggregate classification (germline): Likely benign (0 of 4 stars; one submission).

Conditions:
RNF212-related disorder. Also called: RNF212-related condition.

Submission:

PreventionGenetics, part of Exact Sciences
Classification: Likely benign for RNF212-related condition. Last evaluated: 2023-02-09. Review status: no assertion criteria provided. Collection method: clinical testing. Allele origin: germline.
Comment: This variant is classified as likely benign based on ACMG/AMP sequence variant interpretation guidelines (Richards et al. 2015 PMID: 25741868, with internal and published modifications).

NM_001366918.1(RNF212):c.647+9_647+37del

Gene: RNF212 (ring finger protein 212; minus strand). Cytogenetic location: 4p16.3.
Variant type: Deletion.
Coding change: c.647+9_647+37del on transcript NM_001366918.1; bases 9 to 37 of the intron after coding-DNA position 647, 29 bases deleted (CCCCCGCAAGCACCTTCTTCACTGCGTTC).
Molecular consequence: intron variant.
Genome position (GRCh38, 1-based): chr4:1,058,284-1,058,312, GAACGCAGTGAAGAAGGTGCTTGCGGGGG deleted on the plus strand (CCCCCGCAAGCACCTTCTTCACTGCGTTC on the coding strand, the reverse complement: RNF212 is on the minus strand); deleting any 29 consecutive bases within chr4:1,058,284-1,058,313 gives the same sequence; the c. name uses the placement nearest the transcript's 3' end. VCF-style (leftmost placement, unchanged base first): chr4-1058283-AGAACGCAGTGAAGAAGGTGCTTGCGGGGG-A. GRCh37 (hg19) VCF-style: chr4-1052071-AGAACGCAGTGAAGAAGGTGCTTGCGGGGG-A.
Other names: c.647+9_647+37del29 (NM_001366918.1); c.647+9_647+37del (NM_001366919.1).
Identifiers: ClinVar variation 3033074 (VCV003033074.2), dbSNP rs1392105979, ClinGen allele CA549162410.
Genomic context (GRCh38, chr4:1,058,283, plus strand): 5'-CGCTGTGAAGAAGGTGCTTGCGGGGGTTAGAACGCTGTGAAGAAGGTGCTTGCGGGGGTT[AGAACGCAGTGAAGAAGGTGCTTGCGGGGG>A]GGCACTACCTGAGAGGCTTTCCCATGCTCCTCTGACTCGTTGTCAGGCCGGGATGCTCGG-3'